The following is an entry in ClinVar:

NM_012213.3(MLYCD):c.675G>A (p.Met225Ile)

Gene: MLYCD (malonyl-CoA decarboxylase; plus strand). Cytogenetic location: 16q23.3.
Variant type: single nucleotide variant.
Coding change: c.675G>A on transcript NM_012213.3 (MANE Select); coding-DNA position 675, G replaced by A.
Protein change: p.Met225Ile; replaces methionine 225 with isoleucine.
Molecular consequence: missense variant.
Genome position (GRCh38, 1-based): chr16:83,908,159, G>A. VCF-style: chr16-83908159-G-A. GRCh37 (hg19) VCF-style: chr16-83941764-G-A.
Other names: short protein forms M225I.
Identifiers: ClinVar variation 2176166 (VCV002176166.2), dbSNP rs746735081, ClinGen allele CA8197335.

ClinVar aggregate classification (germline): Uncertain significance (1 of 4 stars; one submission).

Conditions:
Deficiency of malonyl-CoA decarboxylase. Also called: Malonic aciduria; MCD deficiency. Identifiers: Orphanet 943, MedGen C0342793, MONDO:0009556, OMIM 248360.

Allele frequency attached by ClinVar (database versions not stated): gnomAD exomes below 0.00001; ExAC 0.00001.
gnomAD v4.1: 5 of 1,614,208 alleles (0.00031%); highest among the groups gnomAD compares: Admixed American, 0.0067%; no homozygotes.

Submission:

Labcorp Genetics (formerly Invitae), Labcorp
Classification: Uncertain significance for Deficiency of malonyl-CoA decarboxylase. Last evaluated: 2022-07-12. Review status: criteria provided, single submitter. Criteria: Invitae Variant Classification Sherloc (09022015). Collection method: clinical testing. Allele origin: germline.
Comment: In summary, the available evidence is currently insufficient to determine the role of this variant in disease. Therefore, it has been classified as a Variant of Uncertain Significance. Algorithms developed to predict the effect of missense changes on protein structure and function (SIFT, PolyPhen-2, Align-GVGD) all suggest that this variant is likely to be tolerated. This variant has not been reported in the literature in individuals affected with MLYCD-related conditions. This variant is present in population databases (rs746735081, gnomAD 0.003%). This sequence change replaces methionine, which is neutral and non-polar, with isoleucine, which is neutral and non-polar, at codon 225 of the MLYCD protein (p.Met225Ile).